The following is an entry in ClinVar:

ClinVar aggregate classification (germline): Pathogenic (1 of 4 stars; one submission).

Conditions:
Marfan syndrome (MFS). Also called: Marfan syndrome, classic; Marfan syndrome type 1; Marfan's syndrome; MARFAN SYNDROME, TYPE I; FBN1-Related Marfan Syndrome. Identifiers: Orphanet 284963, Orphanet 558, MedGen C0024796, MONDO:0007947, OMIM 154700.
Familial thoracic aortic aneurysm and aortic dissection (TAAD). Also called: Thoracic aortic aneurysms and dissections. Identifiers: Orphanet 91387, MedGen C4707243, MONDO:0019625.

Submission:

Labcorp Genetics (formerly Invitae), Labcorp
Classification: Pathogenic for Marfan syndrome; Familial thoracic aortic aneurysm and aortic dissection. Last evaluated: 2016-05-18. Review status: criteria provided, single submitter. Criteria: Invitae Variant Classification Sherloc (09022015). Collection method: clinical testing. Allele origin: germline.
Comment: This variant is not present in population databases (ExAC no frequency) and has not been reported in the literature in individuals with a FBN1-related disease. This sequence change replaces cysteine with serine at codon 639 of the FBN1 protein (p.Cys639Ser). The cysteine residue is highly conserved and there is a moderate physicochemical difference between cysteine and serine. This variant affects a cysteine residue located within an epidermal-growth-factor (EGF)–like domain of the FBN1 protein. Cysteine residues in these domains have been shown to be involved in the formation of disulfide bridges, which are critical for FBN1 protein structure and stability (PMID: 3495735, 4750422, 16677079). In addition, missense substitutions within the FBN1 EGF-like domains affecting cysteine residues are significantly overrepresented among patients with Marfan syndrome (PMID: 16571647, 17701892). A different missense substitution at this codon (p.Cys639Tyr) is reported to be deleterious (PMID: 17627385). This indicates that the cystine residue is important for FBN1 protein function. For these reasons, this variant has been classified as Pathogenic.

Literature cited by the submitters: PubMed 3495735; PubMed 4750422; PubMed 16677079; PubMed 16571647; PubMed 17701892; PubMed 17627385.

NM_000138.5(FBN1):c.1915T>A (p.Cys639Ser)

Gene: FBN1 (fibrillin 1; minus strand). Cytogenetic location: 15q21.1.
Variant type: single nucleotide variant.
Coding change: c.1915T>A on transcript NM_000138.5 (MANE Select); coding-DNA position 1915, T replaced by A.
Protein change: p.Cys639Ser; replaces cysteine 639 with serine.
Molecular consequence: missense variant.
Genome position (GRCh38, 1-based): chr15:48,505,070, A>T on the plus strand (T>A on the coding strand, the complement: FBN1 is on the minus strand). VCF-style: chr15-48505070-A-T. GRCh37 (hg19) VCF-style: chr15-48797267-A-T.
Other names: short protein forms C639S.
Identifiers: ClinVar variation 406351 (VCV000406351.9), dbSNP rs1060501078, ClinGen allele CA16614529.
Genomic context (GRCh38, chr15:48,505,070, plus strand): 5'-ATGATGTTTTCTTACCAACACACACACGGCCATCCAGACCCACAGCCAGTCCAGGGAAGC[A>T]TTCACATCTGTAGGAGCCATCAGTGTTGACGCAACGCCCATTCATGCAGATCCCAGGGGT-3'
Protein context (NP_000129.3, residues 629-649): VNTDGSYRCE[Cys639Ser]FPGLAVGLDG